The following is an entry in ClinVar:

ClinVar aggregate classification (germline): Uncertain significance. Review status: criteria provided, multiple submitters, no conflicts (2 of 4 stars). 3 submissions from 3 submitters: Uncertain significance (3). Last evaluated 2023-02-10.

Conditions:
Inborn genetic diseases. Identifiers: MedGen C0950123, MeSH D030342.
Joubert syndrome. Also called: Familial aplasia of the vermis; JOUBERT-BOLTSHAUSER SYNDROME. Identifiers: Orphanet 475, MedGen C5979921, MONDO:0018772.

Allele frequency attached by ClinVar (database versions not stated): gnomAD exomes below 0.00001; TOPMed below 0.00001.
gnomAD v4.1: 3 of 1,597,316 alleles (0.00019%); highest among the groups gnomAD compares: Non-Finnish European, 0.00026%; no homozygotes.

Submissions (3):

Ambry Genetics
Classification: Uncertain significance for Inborn genetic diseases. Last evaluated: 2023-02-10. Review status: criteria provided, single submitter. Criteria: Ambry Variant Classification Scheme 2023. Collection method: clinical testing. Allele origin: germline.

Labcorp Genetics (formerly Invitae), Labcorp
Classification: Uncertain significance for Joubert syndrome. Last evaluated: 2022-06-27. Review status: criteria provided, single submitter. Criteria: Invitae Variant Classification Sherloc (09022015). Collection method: clinical testing. Allele origin: germline.
Comment: In summary, the available evidence is currently insufficient to determine the role of this variant in disease. Therefore, it has been classified as a Variant of Uncertain Significance. Advanced modeling of protein sequence and biophysical properties (such as structural, functional, and spatial information, amino acid conservation, physicochemical variation, residue mobility, and thermodynamic stability) performed at Invitae indicates that this missense variant is not expected to disrupt AHI1 protein function. This variant has not been reported in the literature in individuals affected with AHI1-related conditions. This variant is not present in population databases (gnomAD no frequency). This sequence change replaces proline, which is neutral and non-polar, with threonine, which is neutral and polar, at codon 872 of the AHI1 protein (p.Pro872Thr).

Blueprint Genetics
Classification: Uncertain significance. Last evaluated: 2022-01-21. Review status: criteria provided, single submitter. Criteria: ACMG Guidelines, 2015. Collection method: clinical testing. Allele origin: germline.

NM_001134831.2(AHI1):c.2614C>A (p.Pro872Thr)

Gene: AHI1 (Abelson helper integration site 1; minus strand). Cytogenetic location: 6q23.3.
Variant type: single nucleotide variant.
Coding change: c.2614C>A on transcript NM_001134831.2 (MANE Select); coding-DNA position 2614, C replaced by A.
Protein change: p.Pro872Thr; replaces proline 872 with threonine.
Molecular consequence: missense variant.
Genome position (GRCh38, 1-based): chr6:135,428,638, G>T on the plus strand (C>A on the coding strand, the complement: AHI1 is on the minus strand). VCF-style: chr6-135428638-G-T. GRCh37 (hg19) VCF-style: chr6-135749776-G-T.
Other names: c.2614C>A (NM_017651.4); c.2614C>A, p.Pro872Thr (NM_001134830.2, NM_001134832.2, NM_001350503.2 and 2 more transcripts); short protein forms P872T.
Identifiers: ClinVar variation 1386740 (VCV001386740.7), dbSNP rs1784233788, ClinGen allele CA365742023.